The following is an entry in ClinVar:

ClinVar aggregate classification (germline): Uncertain significance (1 of 4 stars; one submission).

Conditions:
Vici syndrome (VICIS). Identifiers: Orphanet 1493, MedGen C1855772, MONDO:0009452, OMIM 242840.

Allele frequency attached by ClinVar (database versions not stated): TOPMed 0.00001; ExAC 0.00002; gnomAD 0.00002; gnomAD exomes 0.00002.
gnomAD v4.1: 29 of 1,612,552 alleles (0.0018%); highest among the groups gnomAD compares: Non-Finnish European, 0.00051%; no homozygotes.

Submission:

Labcorp Genetics (formerly Invitae), Labcorp
Classification: Uncertain significance for Vici syndrome. Last evaluated: 2022-07-06. Review status: criteria provided, single submitter. Criteria: Invitae Variant Classification Sherloc (09022015). Collection method: clinical testing. Allele origin: germline.
Comment: This sequence change replaces cysteine, which is neutral and slightly polar, with serine, which is neutral and polar, at codon 472 of the EPG5 protein (p.Cys472Ser). This variant is present in population databases (rs772989307, gnomAD 0.07%). This variant has not been reported in the literature in individuals affected with EPG5-related conditions. Algorithms developed to predict the effect of missense changes on protein structure and function output the following: SIFT: "Tolerated"; PolyPhen-2: "Probably Damaging"; Align-GVGD: "Class C0". The serine amino acid residue is found in multiple mammalian species, which suggests that this missense change does not adversely affect protein function. In summary, the available evidence is currently insufficient to determine the role of this variant in disease. Therefore, it has been classified as a Variant of Uncertain Significance.

NM_020964.3(EPG5):c.1415G>C (p.Cys472Ser)

Gene: EPG5 (ectopic P-granules 5 autophagy tethering factor; minus strand). Cytogenetic location: 18q21.1.
Variant type: single nucleotide variant.
Coding change: c.1415G>C on transcript NM_020964.3 (MANE Select); coding-DNA position 1415, G replaced by C.
Protein change: p.Cys472Ser; replaces cysteine 472 with serine.
Molecular consequence: missense variant.
Genome position (GRCh38, 1-based): chr18:45,949,566, C>G on the plus strand (G>C on the coding strand, the complement: EPG5 is on the minus strand). VCF-style: chr18-45949566-C-G. GRCh37 (hg19) VCF-style: chr18-43529532-C-G.
Other names: c.1415G>C, p.Cys472Ser (NM_001410858.1, NM_001410859.1); short protein forms C472S.
Identifiers: ClinVar variation 2154196 (VCV002154196.1), dbSNP rs772989307, ClinGen allele CA8949730.
Genomic context (GRCh38, chr18:45,949,566, plus strand): 5'-TTACTAACACCAGCGGGGCATCGAAGAATATGGTTTAGAAGGAAGAGGTGATCTCCAGGA[C>G]AGCCAACTCTTTGTAGCACGGATACCTGAACAATAAAGGTCATATGATCTCACTATTTTT-3'
Protein context (NP_066015.2, residues 462-482): KLVSVLQRVG[Cys472Ser]PGDHLFLLNH